The following is an entry in ClinVar:

ClinVar aggregate classification (germline): Uncertain significance. Review status: criteria provided, multiple submitters, no conflicts (2 of 4 stars). 2 submissions from 2 submitters: Uncertain significance (2). Last evaluated 2026-01-20.

Conditions:
RASopathy. Also called: rasopathies; Noonan spectrum disorder. Identifiers: Orphanet 536391, MedGen C5555857, MONDO:0021060.
Cardiovascular phenotype. Identifiers: MedGen CN230736.

Allele frequency attached by ClinVar (database versions not stated): gnomAD exomes below 0.00001.
gnomAD v4.1: 3 of 1,614,166 alleles (0.00019%); highest among the groups gnomAD compares: East Asian, 0.0022%; no homozygotes.

Submissions (2):

Ambry Genetics
Classification: Uncertain significance for Cardiovascular phenotype. Last evaluated: 2026-01-20. Review status: criteria provided, single submitter. Criteria: Ambry Variant Classification Scheme 2023. Collection method: clinical testing. Allele origin: germline.
Comment: The p.K35E variant (also known as c.103A>G), located in coding exon 2 of the PTPN11 gene, results from an A to G substitution at nucleotide position 103. The lysine at codon 35 is replaced by glutamic acid, an amino acid with similar properties. This amino acid position is conserved. In addition, the in silico prediction for this alteration is inconclusive. Based on the available evidence, the clinical significance of this variant remains unclear.

Labcorp Genetics (formerly Invitae), Labcorp
Classification: Uncertain significance for RASopathy. Last evaluated: 2025-12-15. Review status: criteria provided, single submitter. Criteria: Invitae Variant Classification Sherloc (09022015). Collection method: clinical testing. Allele origin: germline.
Comment: This sequence change replaces lysine, which is basic and polar, with glutamic acid, which is acidic and polar, at codon 35 of the PTPN11 protein (p.Lys35Glu). This variant is present in population databases (no rsID available, gnomAD 0.004%). This variant has not been reported in the literature in individuals affected with PTPN11-related conditions. ClinVar contains an entry for this variant (Variation ID: 935917). Invitae Evidence Modeling of protein sequence and biophysical properties (such as structural, functional, and spatial information, amino acid conservation, physicochemical variation, residue mobility, and thermodynamic stability) has been performed for this missense variant. However, the output from this modeling did not meet the statistical confidence thresholds required to predict the impact of this variant on PTPN11 protein function. In summary, the available evidence is currently insufficient to determine the role of this variant in disease. Therefore, it has been classified as a Variant of Uncertain Significance.

NM_002834.5(PTPN11):c.103A>G (p.Lys35Glu)

Gene: PTPN11 (protein tyrosine phosphatase non-receptor type 11; plus strand). Cytogenetic location: 12q24.13.
Variant type: single nucleotide variant.
Coding change: c.103A>G on transcript NM_002834.5 (MANE Select); coding-DNA position 103, A replaced by G.
Protein change: p.Lys35Glu; replaces lysine 35 with glutamic acid.
Molecular consequence: missense variant.
Genome position (GRCh38, 1-based): chr12:112,446,364, A>G. VCF-style: chr12-112446364-A-G. GRCh37 (hg19) VCF-style: chr12-112884168-A-G.
Other names: c.103A>G, p.Lys35Glu (NM_001330437.2, NM_001374625.1, NM_080601.3); short protein forms K35E.
Identifiers: ClinVar variation 935917 (VCV000935917.10), dbSNP rs934388335, ClinGen allele CA243707499.